The following is an entry in ClinVar:

ClinVar aggregate classification (germline): Likely benign. Review status: criteria provided, single submitter (1 of 4 stars). 2 submissions from 2 submitters: Likely benign (1). 1 of the submissions does not count toward it. Last evaluated 2024-09-27.

Conditions:
FRAS1-related disorder. Also called: FRAS1-related condition.

Allele frequency attached by ClinVar (database versions not stated): ExAC 0.00003; gnomAD exomes 0.00003; TOPMed 0.00004; gnomAD 0.00005.
gnomAD v4.1: 54 of 1,613,714 alleles (0.0033%); highest among the groups gnomAD compares: Non-Finnish European, 0.0041%; no homozygotes.

Submissions (2):

Labcorp Genetics (formerly Invitae), Labcorp
Classification: Likely benign. Last evaluated: 2024-09-27. Review status: criteria provided, single submitter. Criteria: Invitae Variant Classification Sherloc (09022015). Collection method: clinical testing. Allele origin: germline.

PreventionGenetics, part of Exact Sciences
Classification: Likely benign for FRAS1-related condition. Last evaluated: 2019-08-29. Review status: no assertion criteria provided. Collection method: clinical testing. Allele origin: germline. Not counted in ClinVar's aggregate classification.
Comment: This variant is classified as likely benign based on ACMG/AMP sequence variant interpretation guidelines (Richards et al. 2015 PMID: 25741868, with internal and published modifications).

NM_025074.7(FRAS1):c.4254C>T (p.Ile1418=)

Gene: FRAS1 (Fraser extracellular matrix complex subunit 1; plus strand). Cytogenetic location: 4q21.21.
Variant type: single nucleotide variant.
Coding change: c.4254C>T on transcript NM_025074.7 (MANE Select); coding-DNA position 4254, C replaced by T.
Protein change: p.Ile1418=; no amino-acid change (isoleucine 1418 retained).
Molecular consequence: synonymous variant.
Genome position (GRCh38, 1-based): chr4:78,407,787, C>T. VCF-style: chr4-78407787-C-T. GRCh37 (hg19) VCF-style: chr4-79328941-C-T.
Other names: c.4254C>T (NM_025074.6); c.4254C>T, p.Ile1418= (NM_001166133.2).
Identifiers: ClinVar variation 2896095 (VCV002896095.5), dbSNP rs773021393, ClinGen allele CA2977136.